The following is an entry in ClinVar:

NM_001130987.2(DYSF):c.2773G>A (p.Val925Ile)

Gene: DYSF (dysferlin; plus strand). Cytogenetic location: 2p13.2.
Variant type: single nucleotide variant.
Coding change: c.2773G>A on transcript NM_001130987.2 (MANE Select); coding-DNA position 2773, G replaced by A.
Protein change: p.Val925Ile; replaces valine 925 with isoleucine.
Molecular consequence: missense variant.
Genome position (GRCh38, 1-based): chr2:71,568,247, G>A. VCF-style: chr2-71568247-G-A. GRCh37 (hg19) VCF-style: chr2-71795377-G-A.
Other names: c.2722G>A, p.Val908Ile (NM_001130455.2, NM_001130983.2); c.2677G>A, p.Val893Ile (NM_001130976.2, NM_001130977.2); c.2719G>A, p.Val907Ile (NM_001130978.2, NM_003494.4); c.2812G>A, p.Val938Ile (NM_001130979.2); c.2770G>A, p.Val924Ile (NM_001130980.2, NM_001130981.2); c.2815G>A, p.Val939Ile (NM_001130982.2); c.2680G>A, p.Val894Ile (NM_001130984.2, NM_001130986.2); c.2773G>A, p.Val925Ile (NM_001130985.2); short protein forms V924I, V925I, V938I, V907I, V893I, V908I, V939I, V894I.
Identifiers: ClinVar variation 848560 (VCV000848560.6), dbSNP rs2092226553, ClinGen allele CA347214669.

ClinVar aggregate classification (germline): Uncertain significance. Review status: criteria provided, multiple submitters, no conflicts (2 of 4 stars). 3 submissions from 3 submitters: Uncertain significance (2). 1 of the submissions does not count toward it. Last evaluated 2022-11-01.

Conditions:
Autosomal recessive limb-girdle muscular dystrophy type 2B (LGMDR2). Also called: Limb-Girdle Muscular Dystrophy Type 2B (LGMD2B); MUSCULAR DYSTROPHY, LIMB-GIRDLE, TYPE 3; MUSCULAR DYSTROPHY, LIMB-GIRDLE, AUTOSOMAL RECESSIVE 2; Limb-girdle muscular dystrophy, type 2B. Identifiers: Orphanet 268, MedGen C1850889, MONDO:0009676, OMIM 253601.
Neuromuscular disease caused by qualitative or quantitative defects of dysferlin. Also called: Qualitative or quantitative defects of dysferlin; Dysferlinopathy. Identifiers: Orphanet 207073, MedGen C2931687, MONDO:0016145.

Allele frequency attached by ClinVar (database versions not stated): TOPMed below 0.00001.
gnomAD v4.1: 8 of 1,614,210 alleles (0.0005%); highest among the groups gnomAD compares: South Asian, 0.0044%; no homozygotes.

Submissions (3):

Labcorp Genetics (formerly Invitae), Labcorp
Classification: Uncertain significance for Neuromuscular disease caused by qualitative or quantitative defects of dysferlin. Last evaluated: 2022-11-01. Review status: criteria provided, single submitter. Criteria: Invitae Variant Classification Sherloc (09022015). Collection method: clinical testing. Allele origin: germline.
Comment: This sequence change replaces valine, which is neutral and non-polar, with isoleucine, which is neutral and non-polar, at codon 907 of the DYSF protein (p.Val907Ile). This variant is not present in population databases (gnomAD no frequency). This variant has not been reported in the literature in individuals affected with DYSF-related conditions. ClinVar contains an entry for this variant (Variation ID: 848560). Advanced modeling of protein sequence and biophysical properties (such as structural, functional, and spatial information, amino acid conservation, physicochemical variation, residue mobility, and thermodynamic stability) performed at Invitae indicates that this missense variant is not expected to disrupt DYSF protein function. In summary, the available evidence is currently insufficient to determine the role of this variant in disease. Therefore, it has been classified as a Variant of Uncertain Significance.

Revvity Omics, Revvity
Classification: Uncertain significance. Last evaluated: 2021-10-13. Review status: criteria provided, single submitter. Criteria: ACMG Guidelines, 2015. Collection method: clinical testing. Allele origin: germline.

Natera, Inc.
Classification: Uncertain significance for Limb-girdle muscular dystrophy type 2B. Last evaluated: 2020-07-20. Review status: no assertion criteria provided. Collection method: clinical testing. Allele origin: germline. Not counted in ClinVar's aggregate classification.